The following is an entry in ClinVar:

ClinVar aggregate classification (germline): Uncertain significance (1 of 4 stars; one submission).

Submission:

ARUP Laboratories, Molecular Genetics and Genomics, ARUP Laboratories
Classification: Uncertain significance. Last evaluated: 2019-07-28. Review status: criteria provided, single submitter. Criteria: ARUP Molecular Germline Variant Investigation Process. Collection method: clinical testing. Allele origin: germline.
Comment: The FKBP10 c.1582G>T; p.Ala528Ser variant, to our knowledge, is not reported in the medical literature or gene-specific databases. This variant is also absent from general population databases (Exome Variant Server, Genome Aggregation Database), indicating it is not a common polymorphism. The alanine at codon 528 is highly conserved, but computational analyses (SIFT, PolyPhen-2) predict that this variant is tolerated. However, due to limited information, the clinical significance of the p.Ala528Ser variant is uncertain at this time.

NM_021939.4(FKBP10):c.1582G>T (p.Ala528Ser)

Gene: FKBP10 (FKBP prolyl isomerase 10; plus strand). Cytogenetic location: 17q21.2.
Variant type: single nucleotide variant.
Coding change: c.1582G>T on transcript NM_021939.4 (MANE Select); coding-DNA position 1582, G replaced by T.
Protein change: p.Ala528Ser; replaces alanine 528 with serine.
Molecular consequence: missense variant.
Genome position (GRCh38, 1-based): chr17:41,822,241, G>T. VCF-style: chr17-41822241-G-T. GRCh37 (hg19) VCF-style: chr17-39978493-G-T.
Other names: short protein forms A528S.
Identifiers: ClinVar variation 993567 (VCV000993567.8), dbSNP rs1255679632, ClinGen allele CA399519041.